The following is an entry in ClinVar:

ClinVar aggregate classification (germline): Uncertain significance. Review status: criteria provided, multiple submitters, no conflicts (2 of 4 stars). 2 submissions from 2 submitters: Uncertain significance (2). Last evaluated 2025-07-07.

Conditions:
Inborn genetic diseases. Identifiers: MedGen C0950123, MeSH D030342.
Multiple gastrointestinal atresias. Also called: Multiple intestinal atresia; FAMILIAL INTESTINAL POLYATRESIA SYNDROME. Identifiers: Orphanet 2300, MedGen C0220744, MONDO:0009465.

Allele frequency attached by ClinVar (database versions not stated): gnomAD 0.00003; TOPMed 0.00003; ESP Exome Variant Server 0.00008.
gnomAD v4.1: 33 of 1,613,742 alleles (0.002%); highest among the groups gnomAD compares: South Asian, 0.019%; 1 homozygote.

Submissions (2):

Labcorp Genetics (formerly Invitae), Labcorp
Classification: Uncertain significance for Multiple gastrointestinal atresias. Last evaluated: 2025-07-07. Review status: criteria provided, single submitter. Criteria: Invitae Variant Classification Sherloc (09022015). Collection method: clinical testing. Allele origin: germline.
Comment: This sequence change replaces arginine, which is basic and polar, with histidine, which is basic and polar, at codon 803 of the TTC7A protein (p.Arg803His). This variant is present in population databases (rs146165942, gnomAD 0.02%). This variant has not been reported in the literature in individuals affected with TTC7A-related conditions. ClinVar contains an entry for this variant (Variation ID: 953590). Invitae Evidence Modeling of protein sequence and biophysical properties (such as structural, functional, and spatial information, amino acid conservation, physicochemical variation, residue mobility, and thermodynamic stability) indicates that this missense variant is expected to disrupt TTC7A protein function with a positive predictive value of 80%. In summary, the available evidence is currently insufficient to determine the role of this variant in disease. Therefore, it has been classified as a Variant of Uncertain Significance.

Ambry Genetics
Classification: Uncertain significance for Inborn genetic diseases. Last evaluated: 2021-08-02. Review status: criteria provided, single submitter. Criteria: Ambry Variant Classification Scheme 2023. Collection method: clinical testing. Allele origin: germline.

NM_020458.4(TTC7A):c.2408G>A (p.Arg803His)

Gene: TTC7A (tetratricopeptide repeat domain 7A; plus strand). Cytogenetic location: 2p21.
Variant type: single nucleotide variant.
Coding change: c.2408G>A on transcript NM_020458.4 (MANE Select); coding-DNA position 2408, G replaced by A.
Protein change: p.Arg803His; replaces arginine 803 with histidine.
Molecular consequence: missense variant.
Genome position (GRCh38, 1-based): chr2:47,073,754, G>A. VCF-style: chr2-47073754-G-A. GRCh37 (hg19) VCF-style: chr2-47300893-G-A.
Other names: c.2480G>A, p.Arg827His (NM_001288951.2); c.2306G>A, p.Arg769His (NM_001288953.2); c.1346G>A, p.Arg449His (NM_001288955.2); c.2408G>A (NM_020458.2); short protein forms R449H, R803H, R769H, R827H.
Identifiers: ClinVar variation 953590 (VCV000953590.8), dbSNP rs146165942, ClinGen allele CA1648151.